The following is an entry in ClinVar:

NM_000478.6(ALPL):c.182-2_200dup

Gene: ALPL (alkaline phosphatase, biomineralization associated; plus strand). Cytogenetic location: 1p36.12.
Variant type: Duplication.
Coding change: c.182-2_200dup on transcript NM_000478.6 (MANE Select); the canonical splice acceptor site of the intron before coding-DNA position 182 through coding-DNA position 200, 21 bases duplicated (AGGGATGGGTGTCTCCACAGT).
Molecular consequence: splice acceptor variant. On other transcripts: intron variant (1).
Genome position (GRCh38, 1-based): chr1:21,561,095-21,561,115, AGGGATGGGTGTCTCCACAGT duplicated. VCF-style (leftmost placement, unchanged base first): chr1-21561094-C-CAGGGATGGGTGTCTCCACAGT. GRCh37 (hg19) VCF-style: chr1-21887587-C-CAGGGATGGGTGTCTCCACAGT.
Other names: c.182-2_200dup (NM_001369805.2, NM_001369804.2, NM_001369803.2); c.17-2_35dup (NM_001127501.4); c.66+350_66+370dup (NM_001177520.3).
Identifiers: ClinVar variation 1710586 (VCV001710586.2), dbSNP rs2545291961, ClinGen allele CA2580061448.

ClinVar aggregate classification (germline): Uncertain significance (1 of 4 stars; one submission).

Submission:

GeneDx
Classification: Uncertain significance. Last evaluated: 2022-04-13. Review status: criteria provided, single submitter. Criteria: GeneDx Variant Classification Process June 2021. Collection method: clinical testing. Allele origin: germline. Affected: yes.
Comment: In-frame duplication of 7 amino acids in a non-repeat region; Not observed at significant frequency in large population cohorts (gnomAD); Has not been previously published as pathogenic or benign to our knowledge